The following is an entry in ClinVar:

ClinVar aggregate classification (germline): Uncertain significance. Review status: criteria provided, multiple submitters, no conflicts (2 of 4 stars). 4 submissions from 3 submitters: Uncertain significance (4). Last evaluated 2025-01-21.

Conditions:
Pontocerebellar hypoplasia type 9. Identifiers: Orphanet 369920, MedGen C4014354, MONDO:0014351, OMIM 615809.
Hereditary spastic paraplegia 63. Also called: Spastic paraplegia 63, autosomal recessive. Identifiers: Orphanet 401805, MedGen C3810295, MONDO:0014305, OMIM 615686.
Inborn genetic diseases. Identifiers: MedGen C0950123, MeSH D030342.

Allele frequency attached by ClinVar (database versions not stated): gnomAD exomes below 0.00001; TOPMed below 0.00001; gnomAD 0.00001.
gnomAD v4.1: 6 of 1,614,048 alleles (0.00037%); highest among the groups gnomAD compares: Non-Finnish European, 0.00051%; no homozygotes.

Submissions (4):

Ambry Genetics
Classification: Uncertain significance for Inborn genetic diseases. Last evaluated: 2025-01-21. Review status: criteria provided, single submitter. Criteria: Ambry Variant Classification Scheme 2023. Collection method: clinical testing. Allele origin: germline.

Labcorp Genetics (formerly Invitae), Labcorp
Classification: Uncertain significance for Pontocerebellar hypoplasia type 9; Hereditary spastic paraplegia 63. Last evaluated: 2023-11-24. Review status: criteria provided, single submitter. Criteria: Invitae Variant Classification Sherloc (09022015). Collection method: clinical testing. Allele origin: germline.
Comment: This sequence change replaces aspartic acid, which is acidic and polar, with histidine, which is basic and polar, at codon 193 of the AMPD2 protein (p.Asp193His). This variant is present in population databases (rs200750655, gnomAD 0.0009%). This variant has not been reported in the literature in individuals affected with AMPD2-related conditions. ClinVar contains an entry for this variant (Variation ID: 1428978). An algorithm developed to predict the effect of missense changes on protein structure and function (PolyPhen-2) suggests that this variant is likely to be disruptive. In summary, the available evidence is currently insufficient to determine the role of this variant in disease. Therefore, it has been classified as a Variant of Uncertain Significance.

Genome-Nilou Lab
Classification: Uncertain significance for Hereditary spastic paraplegia 63. Last evaluated: 2023-04-11. Review status: criteria provided, single submitter. Criteria: ACMG Guidelines, 2015. Collection method: clinical testing. Allele origin: germline. Affected: no.

Genome-Nilou Lab
Classification: Uncertain significance for Pontocerebellar hypoplasia type 9. Last evaluated: 2023-04-11. Review status: criteria provided, single submitter. Criteria: ACMG Guidelines, 2015. Collection method: clinical testing. Allele origin: germline. Affected: no.

NM_001368809.2(AMPD2):c.415G>C (p.Asp139His)

Gene: AMPD2 (adenosine monophosphate deaminase 2; plus strand). Cytogenetic location: 1p13.3.
Variant type: single nucleotide variant.
Coding change: c.415G>C on transcript NM_001368809.2 (MANE Select); coding-DNA position 415, G replaced by C.
Protein change: p.Asp139His; replaces aspartic acid 139 with histidine.
Molecular consequence: missense variant.
Genome position (GRCh38, 1-based): chr1:109,626,221, G>C. VCF-style: chr1-109626221-G-C. GRCh37 (hg19) VCF-style: chr1-110168843-G-C.
Other names: c.577G>C (NM_004037.6); c.223G>C, p.Asp75His (NM_001257361.2); c.352G>C, p.Asp118His (NM_001308170.1); c.415G>C, p.Asp139His (NM_004037.9); c.334G>C, p.Asp112His (NM_139156.4); short protein forms D139H, D75H, D118H, D112H.
Identifiers: ClinVar variation 1428978 (VCV001428978.10), dbSNP rs200750655, ClinGen allele CA28693158.